The following is an entry in ClinVar:

ClinVar aggregate classification (germline): Uncertain significance (1 of 4 stars; one submission).

Conditions:
X-linked lymphoproliferative disease due to SH2D1A deficiency (XLP1). Also called: IMMUNODEFICIENCY 5; IMMUNODEFICIENCY, X-LINKED PROGRESSIVE COMBINED VARIABLE; INFECTIOUS MONONUCLEOSIS, SEVERE, SUSCEPTIBILITY TO; PURTILO SYNDROME; SH2D1A-Related Lymphoproliferative Disease, X-Linked; EBV infection severe susceptibility to. Identifiers: Orphanet 2442, Orphanet 538931, MedGen C5399825, MONDO:0024551, OMIM 308240.

Allele frequency attached by ClinVar (database versions not stated): TOPMed below 0.00001; ExAC 0.00001; gnomAD exomes 0.00001; gnomAD 0.00002.
gnomAD v4.1: 7 of 1,138,954 alleles (0.00061%); highest among the groups gnomAD compares: Non-Finnish European, 0.00084%; no homozygotes.

Submission:

Labcorp Genetics (formerly Invitae), Labcorp
Classification: Uncertain significance for X-linked lymphoproliferative disease due to SH2D1A deficiency. Last evaluated: 2025-06-04. Review status: criteria provided, single submitter. Criteria: Invitae Variant Classification Sherloc (09022015). Collection method: clinical testing. Allele origin: germline.
Comment: This sequence change replaces alanine, which is neutral and non-polar, with proline, which is neutral and non-polar, at codon 66 of the SH2D1A protein (p.Ala66Pro). This variant is present in population databases (rs770028051, gnomAD 0.002%), including at least one homozygous and/or hemizygous individual. This variant has not been reported in the literature in individuals affected with SH2D1A-related conditions. ClinVar contains an entry for this variant (Variation ID: 2139610). An algorithm developed to predict the effect of missense changes on protein structure and function (PolyPhen-2) suggests that this variant is likely to be disruptive. In summary, the available evidence is currently insufficient to determine the role of this variant in disease. Therefore, it has been classified as a Variant of Uncertain Significance.

NM_002351.5(SH2D1A):c.196G>C (p.Ala66Pro)

Gene: SH2D1A (SH2 domain containing 1A; plus strand). Cytogenetic location: Xq25.
Variant type: single nucleotide variant.
Coding change: c.196G>C on transcript NM_002351.5 (MANE Select); coding-DNA position 196, G replaced by C.
Protein change: p.Ala66Pro; replaces alanine 66 with proline.
Molecular consequence: missense variant.
Genome position (GRCh38, 1-based): chrX:124,365,819, G>C. VCF-style: chrX-124365819-G-C. GRCh37 (hg19) VCF-style: chrX-123499669-G-C.
Other names: c.196G>C, p.Ala66Pro (NM_001114937.3); short protein forms A66P.
Identifiers: ClinVar variation 2139610 (VCV002139610.4), dbSNP rs770028051, ClinGen allele CA10509272.
Genomic context (GRCh38, chrX:124,365,819, plus strand): 5'-AGGTATCACGGTTACATTTATACATACCGAGTGTCCCAGACAGAAACAGGTTCTTGGAGT[G>C]CTGAGGTATAGTTGTATTTATTTTTGCTTCTGGGGGTGTCAAGGAGGTATTTGAAATTTA-3'
Protein context (NP_002342.1, residues 56-76): VSQTETGSWS[Ala66Pro]ETAPGVHKRY